The following is an entry in ClinVar:

NM_000540.3(RYR1):c.11932A>G (p.Ser3978Gly)

Gene: RYR1 (ryanodine receptor 1; plus strand). Cytogenetic location: 19q13.2.
Variant type: single nucleotide variant.
Coding change: c.11932A>G on transcript NM_000540.3 (MANE Select); coding-DNA position 11932, A replaced by G.
Protein change: p.Ser3978Gly; replaces serine 3978 with glycine.
Molecular consequence: missense variant.
Genome position (GRCh38, 1-based): chr19:38,543,795, A>G. VCF-style: chr19-38543795-A-G. GRCh37 (hg19) VCF-style: chr19-39034435-A-G.
Other names: c.11917A>G, p.Ser3973Gly (NM_001042723.2); short protein forms S3973G, S3978G.
Identifiers: ClinVar variation 2081053 (VCV002081053.5), dbSNP rs773430054, ClinGen allele CA057930.

ClinVar aggregate classification (germline): Uncertain significance. Review status: criteria provided, multiple submitters, no conflicts (2 of 4 stars). 3 submissions from 3 submitters: Uncertain significance (3). Last evaluated 2024-10-19.

Conditions:
Inborn genetic diseases. Identifiers: MedGen C0950123, MeSH D030342.
RYR1-related disorder. Also called: RYR1-related condition; RYR1-related disorders. Identifiers: MedGen CN239331.

Allele frequency attached by ClinVar (database versions not stated): TOPMed below 0.00001; ExAC 0.00001; gnomAD 0.00001; gnomAD exomes below 0.00001.
gnomAD v4.1: 2 of 1,613,614 alleles (0.00012%); highest among the groups gnomAD compares: Admixed American, 0.0017%; no homozygotes.

Submissions (3):

Ambry Genetics
Classification: Uncertain significance for Inborn genetic diseases. Last evaluated: 2024-10-19. Review status: criteria provided, single submitter. Criteria: Ambry Variant Classification Scheme 2023. Collection method: clinical testing. Allele origin: germline.

Labcorp Genetics (formerly Invitae), Labcorp
Classification: Uncertain significance for RYR1-related disorder. Last evaluated: 2022-04-21. Review status: criteria provided, single submitter. Criteria: Invitae Variant Classification Sherloc (09022015). Collection method: clinical testing. Allele origin: germline.
Comment: This sequence change replaces serine, which is neutral and polar, with glycine, which is neutral and non-polar, at codon 3978 of the RYR1 protein (p.Ser3978Gly). This variant is present in population databases (rs773430054, gnomAD 0.0009%). This variant has not been reported in the literature in individuals affected with RYR1-related conditions. Algorithms developed to predict the effect of missense changes on protein structure and function are either unavailable or do not agree on the potential impact of this missense change (SIFT: "Deleterious"; PolyPhen-2: "Benign"; Align-GVGD: "Class C0"). In summary, the available evidence is currently insufficient to determine the role of this variant in disease. Therefore, it has been classified as a Variant of Uncertain Significance.

Revvity Omics, Revvity
Classification: Uncertain significance. Last evaluated: 2019-06-06. Review status: criteria provided, single submitter. Criteria: ACMG Guidelines, 2015. Collection method: clinical testing. Allele origin: germline.